The following is an entry in ClinVar:

ClinVar aggregate classification (germline): Uncertain significance (1 of 4 stars; one submission).

Submission:

Labcorp Genetics (formerly Invitae), Labcorp
Classification: Uncertain significance. Last evaluated: 2023-07-12. Review status: criteria provided, single submitter. Criteria: Invitae Variant Classification Sherloc (09022015). Collection method: clinical testing. Allele origin: germline.
Comment: This variant has not been reported in the literature in individuals affected with KAT6A-related conditions. This variant is not present in population databases (gnomAD no frequency). This sequence change replaces proline, which is neutral and non-polar, with serine, which is neutral and polar, at codon 1736 of the KAT6A protein (p.Pro1736Ser). In summary, the available evidence is currently insufficient to determine the role of this variant in disease. Therefore, it has been classified as a Variant of Uncertain Significance. Experimental studies and prediction algorithms are not available or were not evaluated, and the functional significance of this variant is currently unknown.

NM_006766.5(KAT6A):c.5206C>T (p.Pro1736Ser)

Gene: KAT6A (lysine acetyltransferase 6A; minus strand). Cytogenetic location: 8p11.21.
Variant type: single nucleotide variant.
Coding change: c.5206C>T on transcript NM_006766.5 (MANE Select); coding-DNA position 5206, C replaced by T.
Protein change: p.Pro1736Ser; replaces proline 1736 with serine.
Molecular consequence: missense variant.
Genome position (GRCh38, 1-based): chr8:41,933,014, G>A on the plus strand (C>T on the coding strand, the complement: KAT6A is on the minus strand). VCF-style: chr8-41933014-G-A. GRCh37 (hg19) VCF-style: chr8-41790532-G-A.
Other names: short protein forms P1736S.
Identifiers: ClinVar variation 2741826 (VCV002741826.3), dbSNP rs2486752312, ClinGen allele CA371063255.